The following is an entry in ClinVar:

NM_022089.4(ATP13A2):c.3136G>T (p.Glu1046Ter)

Gene: ATP13A2 (ATPase cation transporting 13A2; minus strand). Cytogenetic location: 1p36.13.
Variant type: single nucleotide variant.
Coding change: c.3136G>T on transcript NM_022089.4 (MANE Select); coding-DNA position 3136, G replaced by T.
Protein change: p.Glu1046Ter; replaces glutamic acid 1046 with a stop codon.
Molecular consequence: nonsense.
Genome position (GRCh38, 1-based): chr1:16,986,904, C>A on the plus strand (G>T on the coding strand, the complement: ATP13A2 is on the minus strand). VCF-style: chr1-16986904-C-A. GRCh37 (hg19) VCF-style: chr1-17313399-C-A.
Other names: c.3121G>T, p.Glu1041Ter (NM_001141973.3); c.3004G>T, p.Glu1002Ter (NM_001141974.3); short protein forms E1002*, E1041*, E1046*.
Identifiers: ClinVar variation 1075283 (VCV001075283.5), dbSNP rs1557666781, ClinGen allele CA338233699.
Genomic context (GRCh38, chr1:16,986,904, plus strand): 5'-ACACGGCTGCAGCCAGGATGAGGTACTGGAAGCTGGACAGAGAGAAGACCACGGTGTTCT[C>A]GTAGTTGGGCAGGTTGTCTGGTGCGGCCACTGTCCTGTTCAGAGGCACGAACCTGGGGGT-3'

ClinVar aggregate classification (germline): Pathogenic (1 of 4 stars; one submission).

Conditions:
Kufor-Rakeb syndrome (KRS). Also called: PARKINSON DISEASE 9, AUTOSOMAL RECESSIVE, JUVENILE-ONSET. Identifiers: Orphanet 306674, Orphanet 314632, MedGen C1847640, MONDO:0011706, OMIM 606693.
Autosomal recessive spastic paraplegia type 78. Identifiers: Orphanet 513436, MedGen C5567893, MONDO:0014975, OMIM 617225.

Submission:

Labcorp Genetics (formerly Invitae), Labcorp
Classification: Pathogenic for Kufor-Rakeb syndrome; Autosomal recessive spastic paraplegia type 78. Last evaluated: 2020-02-17. Review status: criteria provided, single submitter. Criteria: Invitae Variant Classification Sherloc (09022015). Collection method: clinical testing. Allele origin: germline.
Comment: Loss-of-function variants in ATP13A2 are known to be pathogenic (PMID: 16964263, 21696388). This variant has not been reported in the literature in individuals with ATP13A2-related conditions. This variant is not present in population databases (ExAC no frequency). This sequence change creates a premature translational stop signal (p.Glu1046*) in the ATP13A2 gene. It is expected to result in an absent or disrupted protein product. For these reasons, this variant has been classified as Pathogenic.

Literature cited by the submitters: PubMed 16964263; PubMed 21696388.